The following is an entry in ClinVar:

NM_001035.3(RYR2):c.11515C>T (p.Leu3839Phe)

Gene: RYR2 (ryanodine receptor 2; plus strand). Cytogenetic location: 1q43.
Variant type: single nucleotide variant.
Coding change: c.11515C>T on transcript NM_001035.3 (MANE Select); coding-DNA position 11515, C replaced by T.
Protein change: p.Leu3839Phe; replaces leucine 3839 with phenylalanine.
Molecular consequence: missense variant.
Genome position (GRCh38, 1-based): chr1:237,770,845, C>T. VCF-style: chr1-237770845-C-T. GRCh37 (hg19) VCF-style: chr1-237934145-C-T.
Other names: c.11515C>T, p.Leu3839Phe (LRG_402t1); short protein forms L3839F.
Identifiers: ClinVar variation 423546 (VCV000423546.2), dbSNP rs1064796484, ClinGen allele CA16617107.

ClinVar aggregate classification (germline): Uncertain significance (1 of 4 stars; one submission).

Submission:

GeneDx
Classification: Uncertain significance. Last evaluated: 2017-02-13. Review status: criteria provided, single submitter. Criteria: GeneDx Variant Classification (06012015). Collection method: clinical testing. Allele origin: germline. Affected: yes.
Comment: The L3839F variant has not beenpublished as pathogenic or been reported as benign to our knowledge. It is not observed in large population cohorts(Lek et al., 2016; 1000 Genomes Consortium et al., 2015; Exome Variant Server). Although the L3839F variant is aconservative amino acid substitution, this substitution occurs at a position that is conserved across species. Inaddition, L3839F is located in one of the three hot-spot regions of the RYR2 gene, where the majority of pathogenicmissense variants occur (Medeiros-Domingo et al., 2009), and in silico analysis predicts this variant is probablydamaging to the protein structure/function. Nonetheless, this variant lacks observation in a significant number ofaffected individuals, segregation data, and functional evidence, all of which would further clarify pathogenicity.